The following is an entry in ClinVar:

ClinVar aggregate classification (germline): Conflicting classifications of pathogenicity. Review status: criteria provided, conflicting classifications (1 of 4 stars). 4 submissions from 4 submitters: Uncertain significance (2); Likely benign (2). Last evaluated 2024-12-22.

Conditions:
TUB-related disorder. Also called: TUB-related condition.
Retinal dystrophy and obesity (RDOB). Identifiers: Orphanet 791, MedGen C4015424, MONDO:0014522, OMIM 616188.

Allele frequency attached by ClinVar (database versions not stated): gnomAD exomes 0.00004 and 0.00011; TOPMed 0.00005; ExAC 0.00006; gnomAD 0.00006.
gnomAD v4.1: 85 of 1,613,152 alleles (0.0053%); highest among the groups gnomAD compares: Middle Eastern, 0.16%; no homozygotes.

Submissions (4):

PreventionGenetics, part of Exact Sciences
Classification: Likely benign for TUB-related condition. Last evaluated: 2024-12-22. Review status: criteria provided, single submitter. Criteria: ACMG Guidelines, 2015. Collection method: clinical testing. Allele origin: germline.
Comment: This variant is classified as likely benign based on ACMG/AMP sequence variant interpretation guidelines (Richards et al. 2015 PMID: 25741868, with internal and published modifications).

Blueprint Genetics
Classification: Likely benign. Last evaluated: 2024-06-14. Review status: criteria provided, single submitter. Criteria: ACMG Guidelines, 2015. Collection method: clinical testing. Allele origin: germline.

Labcorp Genetics (formerly Invitae), Labcorp
Classification: Uncertain significance. Last evaluated: 2023-12-11. Review status: criteria provided, single submitter. Criteria: Invitae Variant Classification Sherloc (09022015). Collection method: clinical testing. Allele origin: germline.
Comment: This sequence change replaces valine, which is neutral and non-polar, with methionine, which is neutral and non-polar, at codon 206 of the TUB protein (p.Val206Met). This variant is present in population databases (rs767402711, gnomAD 0.2%). This variant has not been reported in the literature in individuals affected with TUB-related conditions. ClinVar contains an entry for this variant (Variation ID: 1020820). Algorithms developed to predict the effect of missense changes on protein structure and function output the following: SIFT: "Not Available"; PolyPhen-2: "Benign"; Align-GVGD: "Not Available". The methionine amino acid residue is found in multiple mammalian species, which suggests that this missense change does not adversely affect protein function. In summary, the available evidence is currently insufficient to determine the role of this variant in disease. Therefore, it has been classified as a Variant of Uncertain Significance.

New York Genome Center
Classification: Uncertain significance for Retinal dystrophy and obesity. Last evaluated: 2022-01-12. Review status: criteria provided, single submitter. Criteria: NYGC Assertion Criteria 2020. Collection method: clinical testing. Allele origin: germline. Observed: 1 heterozygote.

NM_177972.3(TUB):c.451G>A (p.Val151Met)

Genes: RIC3 (RIC3 acetylcholine receptor chaperone; minus strand), TUB (TUB bipartite transcription factor; plus strand). Cytogenetic location: 11p15.4.
Variant type: single nucleotide variant.
Coding change: c.451G>A on transcript NM_177972.3 (MANE Select); coding-DNA position 451, G replaced by A.
Protein change: p.Val151Met; replaces valine 151 with methionine.
Molecular consequence: missense variant.
Genome position (GRCh38, 1-based): chr11:8,095,551, G>A. VCF-style: chr11-8095551-G-A. GRCh37 (hg19) VCF-style: chr11-8117098-G-A.
Other names: c.616G>A (NM_003320.4); c.616G>A, p.Val206Met (NM_003320.5); short protein forms V151M, V206M.
Identifiers: ClinVar variation 1020820 (VCV001020820.12), dbSNP rs767402711, ClinGen allele CA5871102.